The following is an entry in ClinVar:

ClinVar aggregate classification (germline): Uncertain significance (1 of 4 stars; one submission).

Conditions:
Primary ciliary dyskinesia. Also called: Ciliary dyskinesia. Identifiers: Orphanet 244, MedGen C0008780, MONDO:0016575, HP:0012265.

Submission:

Ambry Genetics
Classification: Uncertain significance for Primary ciliary dyskinesia. Last evaluated: 2017-11-10. Review status: criteria provided, single submitter. Criteria: Ambry Variant Classification Scheme 2023. Collection method: clinical testing. Allele origin: germline.
Comment: The p.Y280F variant (also known as c.839A>T), located in coding exon 3 of the DNAAF5 gene, results from an A to T substitution at nucleotide position 839. The tyrosine at codon 280 is replaced by phenylalanine, an amino acid with highly similar properties. This amino acid position is highly conserved in available vertebrate species. In addition, the in silico prediction for this alteration is inconclusive. Since supporting evidence is limited at this time, the clinical significance of this alteration remains unclear.

NM_017802.4(DNAAF5):c.839A>T (p.Tyr280Phe)

Gene: DNAAF5 (dynein axonemal assembly factor 5; plus strand). Cytogenetic location: 7p22.3.
Variant type: single nucleotide variant.
Coding change: c.839A>T on transcript NM_017802.4 (MANE Select); coding-DNA position 839, A replaced by T.
Protein change: p.Tyr280Phe; replaces tyrosine 280 with phenylalanine.
Molecular consequence: missense variant. On other transcripts: non-coding transcript variant (1).
Genome position (GRCh38, 1-based): chr7:740,877, A>T. VCF-style: chr7-740877-A-T. GRCh37 (hg19) VCF-style: chr7-780514-A-T.
Other names: short protein forms Y280F.
Identifiers: ClinVar variation 1763211 (VCV001763211.2), dbSNP rs1319964858, ClinGen allele CA366534040.
Genomic context (GRCh38, chr7:740,877, plus strand): 5'-AGGTCCGGCGGGCGGTGGCCTCCGTGGTGGGCGGCTGGCTGCTGTGTCTGCGTGACCGTT[A>T]CTCCTTCTTCCACAAGCTCATCCCTCTGCTGCTCAGTAGCCTCAACGACGAGGTGCCTGA-3'
Protein context (NP_060272.3, residues 270-290): GGWLLCLRDR[Tyr280Phe]SFFHKLIPLL